The following is an entry in ClinVar:

ClinVar aggregate classification (germline): Uncertain significance (1 of 4 stars; one submission).

Conditions:
Cornelia de Lange syndrome 1 (CDLS1). Also called: NIPBL-Related Cornelia de Lange Syndrome; TYPUS DEGENERATIVUS AMSTELODAMENSIS; Brachmann de Lange syndrome. Identifiers: Orphanet 199, MedGen C4551851, MONDO:0007387, OMIM 122470.

Submission:

Labcorp Genetics (formerly Invitae), Labcorp
Classification: Uncertain significance for Cornelia de Lange syndrome 1. Last evaluated: 2023-12-18. Review status: criteria provided, single submitter. Criteria: Invitae Variant Classification Sherloc (09022015). Collection method: clinical testing. Allele origin: germline.
Comment: This sequence change falls in intron 46 of the NIPBL gene. It does not directly change the encoded amino acid sequence of the NIPBL protein. It affects a nucleotide within the consensus splice site. This variant is not present in population databases (gnomAD no frequency). This variant has not been reported in the literature in individuals affected with NIPBL-related conditions. Variants that disrupt the consensus splice site are a relatively common cause of aberrant splicing (PMID: 17576681, 9536098). Algorithms developed to predict the effect of sequence changes on RNA splicing suggest that this variant is not likely to affect RNA splicing. In summary, the available evidence is currently insufficient to determine the role of this variant in disease. Therefore, it has been classified as a Variant of Uncertain Significance.

Literature cited by the submitters: PubMed 17576681; PubMed 9536098.

NM_133433.4(NIPBL):c.8049+6G>A

Gene: NIPBL (NIPBL cohesin loading factor; plus strand). Cytogenetic location: 5p13.2.
Variant type: single nucleotide variant.
Coding change: c.8049+6G>A on transcript NM_133433.4 (MANE Select); 6 bases into the intron after coding-DNA position 8049, G replaced by A.
Molecular consequence: intron variant. On other transcripts: synonymous variant (1).
Genome position (GRCh38, 1-based): chr5:37,063,984, G>A. VCF-style: chr5-37063984-G-A. GRCh37 (hg19) VCF-style: chr5-37064086-G-A.
Other names: c.8055G>A, p.Arg2685= (NM_015384.5).
Identifiers: ClinVar variation 2764629 (VCV002764629.3), dbSNP rs2478759539, ClinGen allele CA2697547127.
Genomic context (GRCh38, chr5:37,063,984, plus strand): 5'-AGAGACAGAAGATGATGAAAGTGATGGGGAGGATAGAGGAGGAGGCACTTCAGGGGTGAG[G>A]CGGAGGAGGAGTCAACGTATTTCGCAGCGTATTACGTAAAATGATTTTTATGTGCTTATA-3'